The following is an entry in ClinVar:

NM_053025.4(MYLK):c.5302A>G (p.Ser1768Gly)

Genes: MYLK-AS1 (MYLK antisense RNA 1; plus strand), MYLK (myosin light chain kinase; minus strand). Cytogenetic location: 3q21.1.
Variant type: single nucleotide variant.
Coding change: c.5302A>G on transcript NM_053025.4 (MANE Select); coding-DNA position 5302, A replaced by G.
Protein change: p.Ser1768Gly; replaces serine 1768 with glycine.
Molecular consequence: missense variant.
Genome position (GRCh38, 1-based): chr3:123,620,273, T>C on the plus strand (A>G on the coding strand, the complement: MYLK is on the minus strand). VCF-style: chr3-123620273-T-C. GRCh37 (hg19) VCF-style: chr3-123339120-T-C.
Other names: p.Ser1768Gly; c.4774A>G, p.Ser1592Gly (NM_001321309.2); c.5095A>G, p.Ser1699Gly (NM_053026.4); c.5149A>G, p.Ser1717Gly (NM_053027.4); c.4942A>G, p.Ser1648Gly (NM_053028.4); c.22A>G, p.Ser8Gly (NM_053031.4, NM_053032.4); short protein forms S1768G, S1648G, S1699G, S1717G, S1592G, S8G.
Identifiers: ClinVar variation 578471 (VCV000578471.20), dbSNP rs149866482, ClinGen allele CA072770.

ClinVar aggregate classification (germline): Conflicting classifications of pathogenicity. Review status: criteria provided, conflicting classifications (1 of 4 stars). 5 submissions from 5 submitters: Uncertain significance (2); Likely benign (3). Last evaluated 2025-11-03.

Conditions:
Aortic aneurysm, familial thoracic 7 (AAT7). Also called: AORTIC DISSECTION, FAMILIAL, WITH OR WITHOUT AORTIC ANEURYSM. Identifiers: MedGen C3151077, MONDO:0013418, OMIM 613780.
Familial thoracic aortic aneurysm and aortic dissection (TAAD). Also called: Thoracic aortic aneurysms and dissections. Identifiers: Orphanet 91387, MedGen C4707243, MONDO:0019625.

Allele frequency attached by ClinVar (database versions not stated): gnomAD exomes 0.00002 and 0.00006; ExAC 0.00009; gnomAD 0.00028 and 0.00032; TOPMed 0.00033; ESP Exome Variant Server 0.00046.
gnomAD v4.1: 71 of 1,614,104 alleles (0.0044%); highest among the groups gnomAD compares: African/African-American, 0.088%; no homozygotes.

Submissions (5):

Labcorp Genetics (formerly Invitae), Labcorp
Classification: Likely benign for Aortic aneurysm, familial thoracic 7. Last evaluated: 2025-11-03. Review status: criteria provided, single submitter. Criteria: Invitae Variant Classification Sherloc (09022015). Collection method: clinical testing. Allele origin: germline.

GeneDx
Classification: Uncertain significance. Last evaluated: 2025-03-12. Review status: criteria provided, single submitter. Criteria: GeneDx Variant Classification Process June 2021. Collection method: clinical testing. Allele origin: germline. Affected: yes.
Comment: Has not been previously published as pathogenic or benign to our knowledge; In silico analysis indicates that this missense variant does not alter protein structure/function

Women's Health and Genetics/Laboratory Corporation of America, LabCorp
Classification: Likely benign. Last evaluated: 2023-08-24. Review status: criteria provided, single submitter. Criteria: LabCorp Variant Classification Summary - May 2015. Collection method: clinical testing. Allele origin: germline.

Mayo Clinic Laboratories, Mayo Clinic
Classification: Uncertain significance. Last evaluated: 2023-01-31. Review status: criteria provided, single submitter. Criteria: ACMG Guidelines, 2015. Collection method: clinical testing. Allele origin: germline. Observed: 2 variant alleles.
Comment: BS1

Ambry Genetics
Classification: Likely benign for Familial thoracic aortic aneurysm and aortic dissection. Last evaluated: 2020-06-29. Review status: criteria provided, single submitter. Criteria: Ambry Variant Classification Scheme 2023. Collection method: clinical testing. Allele origin: germline.